The following is an entry in ClinVar:

NM_000122.2(ERCC3):c.1082G>C (p.Cys361Ser)

Gene: ERCC3 (ERCC excision repair 3, TFIIH core complex helicase subunit; minus strand). Cytogenetic location: 2q14.3.
Variant type: single nucleotide variant.
Coding change: c.1082G>C on transcript NM_000122.2 (MANE Select); coding-DNA position 1082, G replaced by C.
Protein change: p.Cys361Ser; replaces cysteine 361 with serine.
Molecular consequence: missense variant.
Genome position (GRCh38, 1-based): chr2:127,286,963, C>G on the plus strand (G>C on the coding strand, the complement: ERCC3 is on the minus strand). VCF-style: chr2-127286963-C-G. GRCh37 (hg19) VCF-style: chr2-128044539-C-G.
Other names: c.890G>C, p.Cys297Ser (NM_001303416.2, NM_001303418.2); short protein forms C361S, C297S.
Identifiers: ClinVar variation 1407013 (VCV001407013.5), dbSNP rs775716891, ClinGen allele CA1858356.

ClinVar aggregate classification (germline): Uncertain significance (1 of 4 stars; one submission).

gnomAD v4.1: 8 of 1,613,964 alleles (0.0005%); highest among the groups gnomAD compares: African/African-American, 0.008%; no homozygotes.

Submission:

Labcorp Genetics (formerly Invitae), Labcorp
Classification: Uncertain significance. Last evaluated: 2021-09-01. Review status: criteria provided, single submitter. Criteria: Invitae Variant Classification Sherloc (09022015). Collection method: clinical testing. Allele origin: germline.
Comment: This sequence change replaces cysteine with serine at codon 361 of the ERCC3 protein (p.Cys361Ser). The cysteine residue is moderately conserved and there is a moderate physicochemical difference between cysteine and serine. This variant is present in population databases (rs775716891, ExAC 0.002%). This variant has not been reported in the literature in individuals affected with ERCC3-related conditions. Algorithms developed to predict the effect of missense changes on protein structure and function are either unavailable or do not agree on the potential impact of this missense change (SIFT: "Deleterious"; PolyPhen-2: "Possibly Damaging"; Align-GVGD: "Class C0"). In summary, the available evidence is currently insufficient to determine the role of this variant in disease. Therefore, it has been classified as a Variant of Uncertain Significance.